The following is an entry in ClinVar:

ClinVar aggregate classification (germline): Pathogenic. Review status: reviewed by expert panel (3 of 4 stars). 18 submissions from 18 submitters: Pathogenic (1). 17 of the submissions do not count toward it. Last evaluated 2025-03-18.

Conditions:
Muscular dystrophy, limb-girdle, autosomal dominant 4. Also called: MUSCULAR DYSTROPHY, LIMB-GIRDLE, TYPE 1I; Calpain-3-related limb-girdle muscular dystrophy D4. Identifiers: Orphanet 565909, MedGen C4748295, MONDO:0029133, OMIM 618129.
Limb-girdle muscular dystrophy (LGMD). Also called: Muscular Dystrophies, Limb-Girdle. Identifiers: Orphanet 263, MedGen C0686353, MeSH D049288, MONDO:0016971, HP:0006785.
CAPN3-related disorder. Also called: CAPN3-related disorders; CAPN3-related condition. Identifiers: MedGen CN239245.
Autosomal recessive limb-girdle muscular dystrophy type 2A (LGMDR1). Also called: Limb-girdle muscular dystrophy, type 2A; Calpainopathy; Muscular dystrophy, limb-girdle, type 2A, Amish; LEYDEN-MOEBIUS MUSCULAR DYSTROPHY; MUSCULAR DYSTROPHY, PELVOFEMORAL. Identifiers: Orphanet 267, MedGen C1869123, MONDO:0009675, OMIM 253600. Disease mechanism: loss of function.
Autosomal recessive limb-girdle muscular dystrophy. Identifiers: Orphanet 102015, MedGen C2931907, MONDO:0015152.

Submissions 1 to 11 of 18:

ClinGen Limb Girdle Muscular Dystrophy Variant Curation Expert Panel, ClinGen
Classification: Pathogenic for Autosomal recessive limb-girdle muscular dystrophy. Last evaluated: 2025-03-18. Review status: reviewed by expert panel. Criteria: ClinGen LGMD VCEP ACMG Specifications CAPN3 V1.0.0. Collection method: curation. Allele origin: germline. Inheritance: Autosomal recessive inheritance.
Comment: The NM_000070.3: c.598_612del variant in CAPN3 is predicted to cause a change in the length of the protein due to an in-frame deletion of five amino acids in a non-repeat region, p.(Phe200_Leu204del) (PM4). This variant has been detected in at least 24 individuals with LGMD2A (PMID: 23821418, 34720847, 25135358, 34863162, 37688281,16372320, 30564623). At least six patients were compound heterozygous for c.598_612del and a pathogenic variant (c.550del or c.1746-20C>G, 6.0 pts, PMID: 16372320, 23821418, 34720847), and three patients were homozygous (1.0 pt, PMID: 23821418) (PM3_Very Strong). At least one patient with this variant and a second CAPN3 variant had a clinical diagnosis of LGMD and absent calpain-3 protein expression, which is highly consistent with CAPN3-related LGMD (PMID: 16372320; PP4_Strong). The filtering allele frequency (the upper threshold of the 95% CI of 20/1112002 exome chromosomes) is 0.000026 for the European (non-Finnish) population in gnomAD v4.1.0, which is lower than the ClinGen LGMD VCEP threshold (<0.0001) for PM2_Supporting, and therefore meets this criterion (PM2_Supporting). In summary, this variant meets the criteria to be classified as Pathogenic for autosomal recessive limb girdle muscular dystrophy based on the ACMG/AMP criteria applied, as specified by the ClinGen LGMD VCEP (LGMD VCEP specifications version 1.0.0; 03/18/2025): PM4, PM3_Very Strong, PP4_Strong, PM2_Supporting.

Dasa
Classification: Pathogenic for limb-girdle muscular dystrophy. Last evaluated: 2026-03-20. Review status: criteria provided, single submitter. Criteria: DASA Assertion Criteria. Collection method: clinical testing. Allele origin: germline. Not counted in ClinVar's aggregate classification.
Comment: NM_000070.3(CAPN3):c.598_612del (p.Phe200_Leu204del) is an in-frame deletion predicted to remove amino acids from phenylalanine at protein position 200 through leucine at protein position 204 without shifting the reading frame. This variant has been reported in individuals with CAPN3-related disorders (PMID: 16372320). Also, this variant is rare in population databases. Based on the currently available evidence, this variant is classified as pathogenic.

Mendelics
Classification: Pathogenic for Autosomal recessive limb-girdle muscular dystrophy type 2A. Last evaluated: 2026-03-05. Review status: criteria provided, single submitter. Criteria: ACMG Guidelines, 2015. Collection method: clinical testing. Allele origin: unknown. Not counted in ClinVar's aggregate classification.
Comment: Likely pathogenic/Pathogenic according to ACMG criteria.

CeGaT Center for Human Genetics Tuebingen
Classification: Pathogenic. Last evaluated: 2026-03-01. Review status: criteria provided, single submitter. Criteria: CeGaT Center For Human Genetics Tuebingen Variant Classification Criteria Version 2. Collection method: clinical testing. Allele origin: germline. Affected: yes. Observed: 7 variant alleles. Not counted in ClinVar's aggregate classification.
Comment: CAPN3: PS4, PM1, PM2, PM4

PreventionGenetics, part of Exact Sciences
Classification: Pathogenic for CAPN3-related condition. Last evaluated: 2025-12-03. Review status: criteria provided, single submitter. Criteria: ACMG Guidelines, 2015. Collection method: clinical testing. Allele origin: germline. Not counted in ClinVar's aggregate classification.
Comment: The CAPN3 c.598_612del15 variant is predicted to result in an in-frame deletion (p.Phe200_Leu204del). This variant has been reported in the compound heterozygous state or with a second CAPN3 variant in many individuals with autosomal recessive limb girdle muscular dystrophy (Haffner et al. 1998. PubMed ID: 9452114; Stehlíková et al. 2014. PubMed ID: 25135358; Ten Dam et al. 2019. PubMed ID: 30919934; Macias et al. 2021. PubMed ID: 34720847). This variant is reported in 0.0046% of alleles in individuals of European (non-Finnish) descent in gnomAD. This variant is interpreted as pathogenic.

Labcorp Genetics (formerly Invitae), Labcorp
Classification: Pathogenic for Autosomal recessive limb-girdle muscular dystrophy type 2A. Last evaluated: 2025-10-30. Review status: criteria provided, single submitter. Criteria: Invitae Variant Classification Sherloc (09022015). Collection method: clinical testing. Allele origin: germline. Not counted in ClinVar's aggregate classification.
Comment: This variant, c.598_612del, results in the deletion of 5 amino acid(s) of the CAPN3 protein (p.Phe200_Leu204del), but otherwise preserves the integrity of the reading frame. This variant is present in population databases (rs771137354, gnomAD 0.005%). This variant has been observed in individual(s) with autosomal recessive limb-girdle muscular dystrophy (PMID: 9452114, 16141003, 18854869, 25135358). In at least one individual the data is consistent with being in trans (on the opposite chromosome) from a pathogenic variant. This variant has been reported in individual(s) with autosomal dominant limb-girdle muscular dystrophy (PMID: 15733273); however, the role of the variant in this condition is currently unclear. ClinVar contains an entry for this variant (Variation ID: 166786). For these reasons, this variant has been classified as Pathogenic.

Natera, Inc.
Classification: Pathogenic for Limb-girdle muscular dystrophy type 2A. Last evaluated: 2025-07-11. Review status: criteria provided, single submitter. Criteria: Natera Variant Classification Schema (03/2026). Collection method: clinical testing. Allele origin: germline. Not counted in ClinVar's aggregate classification.
Comment: The c.598_612delTTCTGGAGTGCTCTG variant in CAPN3 is an in-frame deletion. This variant is rare in the general population with a frequency below the threshold expected for the associated phenotype(s). This variant has been observed in one or more individuals affected with the associated recessive disease, as either homozygous or compound heterozygous with a second variant (PMID: 25135358, 9452114, 30564623). This variant has been observed in affected individual(s) with monoallelic occurrence (heterozygous/hemizygous) (PMID: 25135358, 30564623). Additionally, this variant has been observed to segregate in affected family members (PMID: 9452114). This variant results in a change to the protein length while preserving reading frame, which may disrupt normal protein structure or function. Computational prediction algorithms indicate this variant is likely to affect gene or protein function. Given the available evidence, this variant is classified as Pathogenic.

Revvity Omics, Revvity
Classification: Pathogenic. Last evaluated: 2025-06-23. Review status: criteria provided, single submitter. Criteria: ACMG Guidelines, 2015. Collection method: clinical testing. Allele origin: germline. Not counted in ClinVar's aggregate classification.

Variantyx, Inc.
Classification: Likely pathogenic for Muscular dystrophy, limb-girdle, autosomal dominant 4. Last evaluated: 2025-03-24. Review status: criteria provided, single submitter. Criteria: Variantyx Assertion Criteria 2022. Collection method: clinical testing. Allele origin: paternal. Affected: yes. Not counted in ClinVar's aggregate classification.
Comment: This is an inframe deletion variant in the CAPN3 gene (OMIM: 114240). Pathogenic variants in this gene have been associated with autosomal recessive and autosomal dominant limb-girdle muscular dystrophy. This variant causes an in-frame deletion of 5 amino acids at position 200-204 of the CAPN3 protein (PM4). This variant has been reported in several unrelated affected individual(s) (PMID: 15733273, 32896923, 33107701, 30564623) (PS4_Moderate). This variant lies within a known hotspot for pathogenic variants or a well-established critical functional domain of the CAPN3 protein (PMID: 9452114) (PM1). This variant has a 0.0020% maximum allele frequency in non-founder control populations (PM2_Supporting). Based on the current evidence, this variant is classified as likely pathogenic for autosomal dominant limb-girdle muscular dystrophy 4.

Department of Human Genetics, Hannover Medical School
Classification: Likely pathogenic for Muscular dystrophy, limb-girdle, autosomal dominant 4. Last evaluated: 2024-06-24. Review status: criteria provided, single submitter. Criteria: ACMG Guidelines, 2015. Collection method: clinical testing. Allele origin: germline. Affected: yes. Not counted in ClinVar's aggregate classification.

Baylor Genetics
Classification: Pathogenic for Muscular dystrophy, limb-girdle, autosomal dominant 4. Last evaluated: 2024-03-16. Review status: criteria provided, single submitter. Criteria: ACMG Guidelines, 2015. Collection method: clinical testing. Allele origin: unknown. Not counted in ClinVar's aggregate classification.

NM_000070.3(CAPN3):c.598_612del (p.Phe200_Leu204del)

Gene: CAPN3 (calpain 3; plus strand). Cytogenetic location: 15q15.1.
Variant type: Deletion.
Coding change: c.598_612del on transcript NM_000070.3 (MANE Select); coding-DNA positions 598 to 612, 15 bases deleted (TTCTGGAGTGCTCTG).
Protein change: p.Phe200_Leu204del.
Molecular consequence: inframe deletion.
Genome position (GRCh38, 1-based): chr15:42,387,852-42,387,866, TTCTGGAGTGCTCTG deleted; deleting any 15 consecutive bases within chr15:42,387,851-42,387,866 gives the same sequence; the c. name uses the placement nearest the transcript's 3' end. VCF-style (leftmost placement, unchanged base first): chr15-42387850-AGTTCTGGAGTGCTCT-A. GRCh37 (hg19) VCF-style: chr15-42680048-AGTTCTGGAGTGCTCT-A.
Other names: NM_000070.3(CAPN3):c.598_612del; c.598_612del, p.Phe200_Leu204del (NM_024344.2, NM_173087.2); c.598_612delTTCTGGAGTGCTCTG (NM_000070.3).
Identifiers: ClinVar variation 166786 (VCV000166786.73), dbSNP rs727503837, ClinGen allele CA346121.
Genomic context (GRCh38, chr15:42,387,850, plus strand): 5'-ATGACTGCCTGCCAACGTACAACAATCAACTGGTTTTCACCAAGTCCAACCACCGCAATG[AGTTCTGGAGTGCTCT>A]GCTGGAGAAGGCTTATGCTAAGTAAGCAACACTTTAGAATGTGAGGTGGGGCTAGAGGTG-3'